The following is an entry in ClinVar:

ClinVar aggregate classification (germline): Benign/Likely benign. Review status: criteria provided, multiple submitters, no conflicts (2 of 4 stars). 5 submissions from 5 submitters: Benign (3); Likely benign (2). Last evaluated 2025-07-06.

Conditions:
Inborn genetic diseases. Identifiers: MedGen C0950123, MeSH D030342.
Early-infantile DEE. Also called: Early infantile epileptic encephalopathy; Early infantile epileptic encephalopathy with suppression bursts; Ohtahara syndrome. Identifiers: Orphanet 1934, MedGen C0393706, MONDO:0800491.

Allele frequency attached by ClinVar (database versions not stated): 1000 Genomes Project 0.00120; gnomAD 0.00011 and 0.00028; gnomAD exomes 0.00017; ExAC 0.00025; 1000 Genomes Project 30x 0.00078; TOPMed 0.00007.
gnomAD v4.1: 1,167 of 1,602,394 alleles (0.073%); highest among the groups gnomAD compares: East Asian, 2.6%; 27 homozygotes.

Submissions (5):

Labcorp Genetics (formerly Invitae), Labcorp
Classification: Benign for Early-infantile DEE. Last evaluated: 2025-07-06. Review status: criteria provided, single submitter. Criteria: Invitae Variant Classification Sherloc (09022015). Collection method: clinical testing. Allele origin: germline.

ARUP Laboratories, Molecular Genetics and Genomics, ARUP Laboratories
Classification: Benign. Last evaluated: 2024-11-14. Review status: criteria provided, single submitter. Criteria: ARUP Molecular Germline Variant Investigation Process 2024. Collection method: clinical testing. Allele origin: germline.

Ambry Genetics
Classification: Likely benign for Inborn genetic diseases. Last evaluated: 2018-03-07. Review status: criteria provided, single submitter. Criteria: Ambry Variant Classification Scheme 2023. Collection method: clinical testing. Allele origin: germline.

Eurofins Ntd Llc (ga)
Classification: Likely benign. Last evaluated: 2016-07-12. Review status: criteria provided, single submitter. Criteria: EGL Classification Definitions 2015. Collection method: clinical testing. Allele origin: germline. Observed: 1 variant allele, 1 heterozygote.

GeneDx
Classification: Benign. Last evaluated: 2014-02-06. Review status: criteria provided, single submitter. Criteria: GeneDx Variant Classification (06012015). Collection method: clinical testing. Allele origin: germline. Affected: yes.
Comment: This variant is considered likely benign or benign based on one or more of the following criteria: it is a conservative change, it occurs at a poorly conserved position in the protein, it is predicted to be benign by multiple in silico algorithms, and/or has population frequency not consistent with disease.

NM_172107.4(KCNQ2):c.2556G>A (p.Pro852=)

Gene: KCNQ2 (potassium voltage-gated channel subfamily Q member 2; minus strand). Cytogenetic location: 20q13.33.
Variant type: single nucleotide variant.
Coding change: c.2556G>A on transcript NM_172107.4 (MANE Select); coding-DNA position 2556, G replaced by A.
Protein change: p.Pro852=; no amino-acid change (proline 852 retained).
Molecular consequence: synonymous variant.
Genome position (GRCh38, 1-based): chr20:63,406,707, C>T on the plus strand (G>A on the coding strand, the complement: KCNQ2 is on the minus strand). VCF-style: chr20-63406707-C-T. GRCh37 (hg19) VCF-style: chr20-62038060-C-T.
Other names: p.P852P:CCG>CCA; c.2610G>A, p.Pro870= (NM_001382235.1); c.2499G>A, p.Pro833= (NM_001439003.1); c.2469G>A, p.Pro823= (NM_001439004.1); c.2472G>A, p.Pro824= (NM_004518.6); c.2502G>A, p.Pro834= (NM_172106.3); c.2463G>A, p.Pro821= (NM_172108.5).
Identifiers: ClinVar variation 138034 (VCV000138034.19), dbSNP rs3810472, ClinGen allele CA291821.
Genomic context (GRCh38, chr20:63,406,707, plus strand): 5'-CTTCCTGGGCCCGGCCCAGCCCACGTCACCAAAGGGACCCTCGCCGGTGGCCGAGCGTGG[C>T]GGGGGCCCGCACGGGGTACAGAGGTCGGAGTCGGTGTCTGACTCTCCCTCCGCAATGTAG-3'
Protein context (NP_742105.1, residues 842-862): DSDLCTPCGP[Pro852=]PRSATGEGPF